The following is an entry in ClinVar:

ClinVar aggregate classification (germline): Uncertain significance (1 of 4 stars; one submission).

Allele frequency attached by ClinVar (database versions not stated): TOPMed 0.00003; gnomAD 0.00004; ESP Exome Variant Server 0.00008; ExAC 0.00026.
gnomAD v4.1: 117 of 1,613,904 alleles (0.0072%); highest among the groups gnomAD compares: Non-Finnish European, 0.006%; no homozygotes.

Submission:

Labcorp Genetics (formerly Invitae), Labcorp
Classification: Uncertain significance. Last evaluated: 2022-08-05. Review status: criteria provided, single submitter. Criteria: Invitae Variant Classification Sherloc (09022015). Collection method: clinical testing. Allele origin: germline.
Comment: This sequence change replaces valine, which is neutral and non-polar, with glycine, which is neutral and non-polar, at codon 585 of the UNC45A protein (p.Val585Gly). This variant is present in population databases (rs375704046, gnomAD 0.06%). This variant has not been reported in the literature in individuals affected with UNC45A-related conditions. Algorithms developed to predict the effect of missense changes on protein structure and function are either unavailable or do not agree on the potential impact of this missense change (SIFT: "Not Available"; PolyPhen-2: "Possibly Damaging"; Align-GVGD: "Not Available"). In summary, the available evidence is currently insufficient to determine the role of this variant in disease. Therefore, it has been classified as a Variant of Uncertain Significance.

NM_018671.5(UNC45A):c.1754T>G (p.Val585Gly)

Gene: UNC45A (unc-45 myosin chaperone A; plus strand). Cytogenetic location: 15q26.1.
Variant type: single nucleotide variant.
Coding change: c.1754T>G on transcript NM_018671.5 (MANE Select); coding-DNA position 1754, T replaced by G.
Protein change: p.Val585Gly; replaces valine 585 with glycine.
Molecular consequence: missense variant.
Genome position (GRCh38, 1-based): chr15:90,948,670, T>G. VCF-style: chr15-90948670-T-G. GRCh37 (hg19) VCF-style: chr15-91491900-T-G.
Other names: c.1709T>G, p.Val570Gly (NM_001039675.2, NM_001323621.2); c.1754T>G, p.Val585Gly (NM_001323619.1); c.1319T>G, p.Val440Gly (NM_001323620.2); short protein forms V440G, V570G, V585G.
Identifiers: ClinVar variation 2420661 (VCV002420661.3), dbSNP rs375704046, ClinGen allele CA7743051.